The following is an entry in ClinVar:

NM_000215.4(JAK3):c.2452G>A (p.Glu818Lys)

Gene: JAK3 (Janus kinase 3; minus strand). Cytogenetic location: 19p13.11.
Variant type: single nucleotide variant.
Coding change: c.2452G>A on transcript NM_000215.4 (MANE Select); coding-DNA position 2452, G replaced by A.
Protein change: p.Glu818Lys; replaces glutamic acid 818 with lysine.
Molecular consequence: missense variant.
Genome position (GRCh38, 1-based): chr19:17,832,828, C>T on the plus strand (G>A on the coding strand, the complement: JAK3 is on the minus strand). VCF-style: chr19-17832828-C-T. GRCh37 (hg19) VCF-style: chr19-17943637-C-T.
Other names: short protein forms E818K.
Identifiers: ClinVar variation 464099 (VCV000464099.9), dbSNP rs374191135, ClinGen allele CA9301599.

ClinVar aggregate classification (germline): Uncertain significance. Review status: criteria provided, multiple submitters, no conflicts (2 of 4 stars). 2 submissions from 2 submitters: Uncertain significance (2). Last evaluated 2021-09-01.

Conditions:
T-B+ severe combined immunodeficiency due to JAK3 deficiency. Also called: SCID, autosomal recessive, T-negative/B-positive type; SCID, T CELL-NEGATIVE, B CELL-POSITIVE, NK CELL-NEGATIVE. Identifiers: Orphanet 35078, MedGen C1833275, MONDO:0010938, OMIM 600802.

Allele frequency attached by ClinVar (database versions not stated): ExAC 0.00002; TOPMed 0.00003; ESP Exome Variant Server 0.00015; gnomAD 0.00001; gnomAD exomes 0.00001.
gnomAD v4.1: 11 of 1,614,120 alleles (0.00068%); highest among the groups gnomAD compares: African/African-American, 0.0013%; no homozygotes.

Submissions (2):

Labcorp Genetics (formerly Invitae), Labcorp
Classification: Uncertain significance for T-B+ severe combined immunodeficiency due to JAK3 deficiency. Last evaluated: 2021-09-01. Review status: criteria provided, single submitter. Criteria: Invitae Variant Classification Sherloc (09022015). Collection method: clinical testing. Allele origin: germline.
Comment: This sequence change replaces glutamic acid with lysine at codon 818 of the JAK3 protein (p.Glu818Lys). The glutamic acid residue is highly conserved and there is a small physicochemical difference between glutamic acid and lysine. This variant is present in population databases (rs374191135, ExAC 0.003%). This variant has not been reported in the literature in individuals affected with JAK3-related conditions. Algorithms developed to predict the effect of missense changes on protein structure and function are either unavailable or do not agree on the potential impact of this missense change (SIFT: "Tolerated"; PolyPhen-2: "Possibly Damaging"; Align-GVGD: "Class C0"). In summary, the available evidence is currently insufficient to determine the role of this variant in disease. Therefore, it has been classified as a Variant of Uncertain Significance.

Center for Personalized Medicine, Children's Hospital Los Angeles
Classification: Uncertain significance. Last evaluated: 2018-11-19. Review status: criteria provided, single submitter. Criteria: ACMG Guidelines, 2015. Collection method: clinical testing. Allele origin: germline. Affected: yes.